The following is an entry in ClinVar:

NM_001375567.1(FOCAD):c.4144G>T (p.Val1382Leu)

Gene: FOCAD (focadhesin; plus strand). Cytogenetic location: 9p21.3.
Variant type: single nucleotide variant.
Coding change: c.4144G>T on transcript NM_001375567.1 (MANE Select); coding-DNA position 4144, G replaced by T.
Protein change: p.Val1382Leu; replaces valine 1382 with leucine.
Molecular consequence: missense variant.
Genome position (GRCh38, 1-based): chr9:20,976,431, G>T. VCF-style: chr9-20976431-G-T. GRCh37 (hg19) VCF-style: chr9-20976430-G-T.
Other names: c.4144G>T (NM_017794.4); c.4039G>T, p.Val1347Leu (NM_001375568.1, NM_001375570.1); c.4144G>T, p.Val1382Leu (NM_017794.5); short protein forms V1347L, V1382L.
Identifiers: ClinVar variation 2324307 (VCV002324307.7), dbSNP rs756175654, ClinGen allele CA5007852.

ClinVar aggregate classification (germline): Uncertain significance. Review status: criteria provided, multiple submitters, no conflicts (2 of 4 stars). 3 submissions from 3 submitters: Uncertain significance (2). 1 of the submissions does not count toward it. Last evaluated 2024-12-24.

Conditions:
Inborn genetic diseases. Identifiers: MedGen C0950123, MeSH D030342.
FOCAD-related disorder. Also called: FOCAD-related condition.

Allele frequency attached by ClinVar (database versions not stated): ExAC 0.00002; TOPMed 0.00009; gnomAD 0.00011.
gnomAD v4.1: 23 of 1,612,848 alleles (0.0014%); highest among the groups gnomAD compares: African/African-American, 0.027%; no homozygotes.

Submissions (3):

Labcorp Genetics (formerly Invitae), Labcorp
Classification: Uncertain significance. Last evaluated: 2024-12-24. Review status: criteria provided, single submitter. Criteria: Invitae Variant Classification Sherloc (09022015). Collection method: clinical testing. Allele origin: germline.
Comment: This sequence change replaces valine, which is neutral and non-polar, with leucine, which is neutral and non-polar, at codon 1382 of the FOCAD protein (p.Val1382Leu). This variant is present in population databases (rs756175654, gnomAD 0.02%). This variant has not been reported in the literature in individuals affected with FOCAD-related conditions. ClinVar contains an entry for this variant (Variation ID: 2324307). An algorithm developed to predict the effect of missense changes on protein structure and function outputs the following: PolyPhen-2: "Not Available". The leucine amino acid residue is found in multiple mammalian species, which suggests that this missense change does not adversely affect protein function. In summary, the available evidence is currently insufficient to determine the role of this variant in disease. Therefore, it has been classified as a Variant of Uncertain Significance.

Ambry Genetics
Classification: Uncertain significance for Inborn genetic diseases. Last evaluated: 2022-11-08. Review status: criteria provided, single submitter. Criteria: Ambry Variant Classification Scheme 2023. Collection method: clinical testing. Allele origin: germline.

PreventionGenetics, part of Exact Sciences
Classification: Uncertain significance for FOCAD-related condition. Last evaluated: 2024-04-03. Review status: no assertion criteria provided. Collection method: clinical testing. Allele origin: germline. Not counted in ClinVar's aggregate classification.
Comment: The FOCAD c.4144G>T variant is predicted to result in the amino acid substitution p.Val1382Leu. To our knowledge, this variant has not been reported in the literature. This variant is reported in 0.024% of alleles in individuals of African descent in gnomAD. At this time, the clinical significance of this variant is uncertain due to the absence of conclusive functional and genetic evidence.